The following is an entry in ClinVar:

ClinVar aggregate classification (germline): Uncertain significance (1 of 4 stars; one submission).

Conditions:
Autosomal dominant nonsyndromic hearing loss 1. Also called: KONIGSMARK SYNDROME; DEAFNESS, AUTOSOMAL DOMINANT 1, WITH OR WITHOUT THROMBOCYTOPENIA. Identifiers: Orphanet 90635, MedGen C1852282, MONDO:0007424, OMIM 124900.
Progressive microcephaly-seizures-cortical blindness-developmental delay syndrome. Also called: Seizures, cortical blindness, and microcephaly syndrome. Identifiers: Orphanet 477814, MedGen C5567650, MONDO:0014714, OMIM 616632.

Submission:

Labcorp Genetics (formerly Invitae), Labcorp
Classification: Uncertain significance for Progressive microcephaly-seizures-cortical blindness-developmental delay syndrome; Autosomal dominant nonsyndromic hearing loss 1. Last evaluated: 2025-11-19. Review status: criteria provided, single submitter. Criteria: Invitae Variant Classification Sherloc (09022015). Collection method: clinical testing. Allele origin: germline.
Comment: This sequence change is expected to alter the c-terminus of the DIAPH1 protein (p.Pro1247Leufs*50). While this is not anticipated to result in nonsense mediated decay, it is expected to disrupt the last 26 amino acid(s) of the DIAPH1 protein and extend the protein by 23 additional amino acid residues. This variant is not present in population databases (gnomAD no frequency). This variant has not been reported in the literature in individuals affected with DIAPH1-related conditions. Experimental studies and prediction algorithms are not available or were not evaluated, and the functional significance of this variant is currently unknown. In summary, the available evidence is currently insufficient to determine the role of this variant in disease. Therefore, it has been classified as a Variant of Uncertain Significance.

NM_005219.5(DIAPH1):c.3740del (p.Pro1247fs)

Gene: DIAPH1 (diaphanous related formin 1; minus strand). Cytogenetic location: 5q31.3.
Variant type: Deletion.
Coding change: c.3740del on transcript NM_005219.5 (MANE Select); coding-DNA position 3740, one base deleted (C; older notation c.3740delC).
Protein change: p.Pro1247fs; shifts the reading frame from proline 1247.
Molecular consequence: frameshift variant. On other transcripts: 3 prime UTR variant (1).
Genome position (GRCh38, 1-based): chr5:141,516,930, G deleted on the plus strand (C on the coding strand, the reverse complement: DIAPH1 is on the minus strand); the first of 2 consecutive G bases (chr5:141,516,930-141,516,931); deleting either gives the same sequence. VCF-style (leftmost placement, unchanged base first): chr5-141516929-AG-A. GRCh37 (hg19) VCF-style: chr5-140896496-AG-A.
Other names: c.3713del, p.Pro1238fs (NM_001079812.3); c.*40del (NM_001314007.2); short protein forms P1238fs, P1247fs.
Identifiers: ClinVar variation 4784708 (VCV004784708.1).